The following is an entry in ClinVar:

NM_001291303.3(FAT4):c.4252_4266del (p.Pro1418_Pro1422del)

Gene: FAT4 (FAT atypical cadherin 4; plus strand). Cytogenetic location: 4q28.1.
Variant type: Deletion.
Coding change: c.4252_4266del on transcript NM_001291303.3 (MANE Select); coding-DNA positions 4252 to 4266, 15 bases deleted (CCTAGCTTTCCTCCT).
Protein change: p.Pro1418_Pro1422del.
Molecular consequence: inframe deletion. On other transcripts: intron variant (1).
Genome position (GRCh38, 1-based): chr4:125,320,663-125,320,677, CCTAGCTTTCCTCCT deleted; deleting any 15 consecutive bases within chr4:125,320,659-125,320,677 gives the same sequence; the c. name uses the placement nearest the transcript's 3' end. VCF-style (leftmost placement, unchanged base first): chr4-125320658-ATCCTCCTAGCTTTCC-A. GRCh37 (hg19) VCF-style: chr4-126241813-ATCCTCCTAGCTTTCC-A.
Other names: c.4252_4266del, p.Pro1418_Pro1422del (NM_001291285.3, NM_001438396.1, NM_001438397.1 and 1 more transcripts); c.-55+4686_-55+4700del (NM_001437895.1).
Identifiers: ClinVar variation 4734053 (VCV004734053.1).
Genomic context (GRCh38, chr4:125,320,658, plus strand): 5'-GAAGACCTCCTCGTTCATCTACAATGTCAGTGGTTATTCACGTGAGGGACTTTAATGACA[ATCCTCCTAGCTTTCC>A]TCCTGGAGATATTTTCAAGTCTATTGTTGAGAACATTCCCATCGGTACATCTGTCATTTC-3'

ClinVar aggregate classification (germline): Uncertain significance (1 of 4 stars; one submission).

Submission:

Labcorp Genetics (formerly Invitae), Labcorp
Classification: Uncertain significance. Last evaluated: 2025-12-24. Review status: criteria provided, single submitter. Criteria: Invitae Variant Classification Sherloc (09022015). Collection method: clinical testing. Allele origin: germline.
Comment: This variant, c.4252_4266del, results in the deletion of 5 amino acid(s) of the FAT4 protein (p.Pro1418_Pro1422del), but otherwise preserves the integrity of the reading frame. This variant is not present in population databases (gnomAD no frequency). This variant has not been reported in the literature in individuals affected with FAT4-related conditions. Experimental studies and prediction algorithms are not available or were not evaluated, and the functional significance of this variant is currently unknown. In summary, the available evidence is currently insufficient to determine the role of this variant in disease. Therefore, it has been classified as a Variant of Uncertain Significance.